The following is an entry in ClinVar:

ClinVar aggregate classification (germline): Benign. Review status: criteria provided, multiple submitters, no conflicts (2 of 4 stars). 3 submissions from 3 submitters: Benign (3). Last evaluated 2021-05-11.

Conditions:
Hypohidrotic ectodermal dysplasia (HED). Identifiers: Orphanet 238468, MedGen C5848103, MONDO:0016535, HP:0007607.

Allele frequency attached by ClinVar (database versions not stated): gnomAD exomes 0.03938; 1000 Genomes Project 0.05072; 1000 Genomes Project 30x 0.05153; gnomAD 0.04028 and 0.04086; TOPMed 0.04498.
gnomAD v4.1: 37,971 of 956,860 alleles (4%); highest among the groups gnomAD compares: Admixed American, 7.4%; 979 homozygotes.

Submissions (3):

GeneDx
Classification: Benign. Last evaluated: 2021-05-11. Review status: criteria provided, single submitter. Criteria: GeneDx Variant Classification Process June 2021. Collection method: clinical testing. Allele origin: germline. Affected: yes.

Illumina Laboratory Services, Illumina
Classification: Benign for Hypohidrotic ectodermal dysplasia. Last evaluated: 2018-02-14. Review status: criteria provided, single submitter. Criteria: ICSL Variant Classification Criteria 13 December 2019. Collection method: clinical testing. Allele origin: germline.
Comment: This variant was observed as part of a predisposition screen in an ostensibly healthy population. A literature search was performed for the gene, cDNA change, and amino acid change (where applicable). No publications were found based on this search. Allele frequency data from public databases was too high to be consistent with this variant causing disease. Therefore, this variant is classified as benign.

Breakthrough Genomics
Classification: Benign. Review status: criteria provided, single submitter. Criteria: ACMG Guidelines, 2015. Collection method: not provided. Allele origin: germline. Inheritance: Autosomal recessive inheritance. Affected: yes.

NM_145861.4(EDARADD):c.*1613T>C

Gene: EDARADD (EDAR associated via death domain; plus strand). Cytogenetic location: 1q43.
Variant type: single nucleotide variant.
Coding change: c.*1613T>C on transcript NM_145861.4 (MANE Select); 1613 bases downstream of the stop codon, T replaced by C.
Molecular consequence: 3 prime UTR variant.
Genome position (GRCh38, 1-based): chr1:236,484,262, T>C. VCF-style: chr1-236484262-T-C. GRCh37 (hg19) VCF-style: chr1-236647562-T-C.
Other names: c.*1613T>C (NM_001422628.1, NM_080738.5).
Identifiers: ClinVar variation 874271 (VCV000874271.6), dbSNP rs61737025, ClinGen allele CA39703313.